The following is an entry in ClinVar:

ClinVar aggregate classification (germline): Benign (1 of 4 stars; one submission).

Conditions:
Seizures, benign familial neonatal, 2. Also called: CONVULSIONS, BENIGN FAMILIAL NEONATAL, 2; KCNQ3-Related Self-Limited Familial Neonatal Epilepsy (SLFNE); Benign Neonatal Epilepsy 2; KCNQ3-Related Benign Familial Neonatal Epilepsy; Seizures, benign neonatal, 2. Identifiers: Orphanet 1949, MedGen C1852581, MONDO:0007366, OMIM 121201.

Allele frequency attached by ClinVar (database versions not stated): TOPMed 0.00438; gnomAD 0.00403 and 0.00433; 1000 Genomes Project 30x 0.00453; 1000 Genomes Project 0.00519.

Submission:

Illumina Laboratory Services, Illumina
Classification: Benign for Seizures, benign familial neonatal, 2. Last evaluated: 2018-01-13. Review status: criteria provided, single submitter. Criteria: ICSL Variant Classification Criteria 13 December 2019. Collection method: clinical testing. Allele origin: germline.
Comment: This variant was observed in the ICSL laboratory as part of a predisposition screen in an ostensibly healthy population. It had not been previously curated by ICSL or reported in the Human Gene Mutation Database (HGMD: prior to June 1st, 2018), and was therefore a candidate for classification through an automated scoring system. Utilizing variant allele frequency, disease prevalence and penetrance estimates, and inheritance mode, an automated score was calculated to assess if this variant is too frequent to cause the disease. Based on the score and internal cut-off values, a variant classified as benign is not then subjected to further curation. The score for this variant resulted in a classification of benign for this disease.

NM_004519.4(KCNQ3):c.*6174A>G

Gene: KCNQ3 (potassium voltage-gated channel subfamily Q member 3; minus strand). Cytogenetic location: 8q24.22.
Variant type: single nucleotide variant.
Coding change: c.*6174A>G on transcript NM_004519.4 (MANE Select); 6174 bases downstream of the stop codon, A replaced by G.
Molecular consequence: 3 prime UTR variant.
Genome position (GRCh38, 1-based): chr8:132,123,088, T>C on the plus strand (A>G on the coding strand, the complement: KCNQ3 is on the minus strand). VCF-style: chr8-132123088-T-C. GRCh37 (hg19) VCF-style: chr8-133135335-T-C.
Other names: c.*6174A>G (NM_001204824.2).
Identifiers: ClinVar variation 361782 (VCV000361782.6), dbSNP rs116373101, ClinGen allele CA10627019.